The following is an entry in ClinVar:

NM_013432.5(TONSL):c.3851C>G (p.Ser1284Cys)

Gene: TONSL (tonsoku like, DNA repair protein; minus strand). Cytogenetic location: 8q24.3.
Variant type: single nucleotide variant.
Coding change: c.3851C>G on transcript NM_013432.5 (MANE Select); coding-DNA position 3851, C replaced by G.
Protein change: p.Ser1284Cys; replaces serine 1284 with cysteine.
Molecular consequence: missense variant.
Genome position (GRCh38, 1-based): chr8:144,430,496, G>C on the plus strand (C>G on the coding strand, the complement: TONSL is on the minus strand). VCF-style: chr8-144430496-G-C. GRCh37 (hg19) VCF-style: chr8-145655879-G-C.
Other names: short protein forms S1284C.
Identifiers: ClinVar variation 1348045 (VCV001348045.6), dbSNP rs782783678, ClinGen allele CA4942352.

ClinVar aggregate classification (germline): Uncertain significance (1 of 4 stars; one submission).

Allele frequency attached by ClinVar (database versions not stated): ExAC 0.00001; gnomAD 0.00001; gnomAD exomes 0.00001; TOPMed 0.00001.

Submission:

Labcorp Genetics (formerly Invitae), Labcorp
Classification: Uncertain significance. Last evaluated: 2022-08-16. Review status: criteria provided, single submitter. Criteria: Invitae Variant Classification Sherloc (09022015). Collection method: clinical testing. Allele origin: germline.
Comment: In summary, the available evidence is currently insufficient to determine the role of this variant in disease. Therefore, it has been classified as a Variant of Uncertain Significance. This sequence change replaces serine, which is neutral and polar, with cysteine, which is neutral and slightly polar, at codon 1284 of the TONSL protein (p.Ser1284Cys). This variant is present in population databases (rs782783678, gnomAD 0.002%). This variant has not been reported in the literature in individuals affected with TONSL-related conditions. ClinVar contains an entry for this variant (Variation ID: 1348045). Algorithms developed to predict the effect of missense changes on protein structure and function are either unavailable or do not agree on the potential impact of this missense change (SIFT: "Deleterious"; PolyPhen-2: "Probably Damaging"; Align-GVGD: "Class C15").